The following is an entry in ClinVar:

ClinVar aggregate classification (germline): Uncertain significance (0 of 4 stars; one submission).

Conditions:
BBS7-related disorder. Also called: BBS7-related condition.

gnomAD v4.1: 9 of 1,613,756 alleles (0.00056%); highest among the groups gnomAD compares: African/African-American, 0.011%; no homozygotes.

Submission:

PreventionGenetics, part of Exact Sciences
Classification: Uncertain significance for BBS7-related condition. Last evaluated: 2024-08-21. Review status: no assertion criteria provided. Collection method: clinical testing. Allele origin: germline.
Comment: The BBS7 c.506A>G variant is predicted to result in the amino acid substitution p.Asp169Gly. To our knowledge, this variant has not been reported in the literature. This variant is reported in 0.024% of alleles in individuals of African descent in gnomAD. At this time, the clinical significance of this variant is uncertain due to the absence of conclusive functional and genetic evidence.

NM_176824.3(BBS7):c.506A>G (p.Asp169Gly)

Gene: BBS7 (Bardet-Biedl syndrome 7; minus strand). Cytogenetic location: 4q27.
Variant type: single nucleotide variant.
Coding change: c.506A>G on transcript NM_176824.3 (MANE Select); coding-DNA position 506, A replaced by G.
Protein change: p.Asp169Gly; replaces aspartic acid 169 with glycine.
Molecular consequence: missense variant.
Genome position (GRCh38, 1-based): chr4:121,859,014, T>C on the plus strand (A>G on the coding strand, the complement: BBS7 is on the minus strand). VCF-style: chr4-121859014-T-C. GRCh37 (hg19) VCF-style: chr4-122780169-T-C.
Other names: c.506A>G, p.Asp169Gly (NM_018190.4); short protein forms D169G.
Identifiers: ClinVar variation 3355739 (VCV003355739.1).